The following is an entry in ClinVar:

ClinVar aggregate classification (germline): Benign/Likely benign. Review status: criteria provided, multiple submitters, no conflicts (2 of 4 stars). 3 submissions from 3 submitters: Benign (2); Likely benign (1). Last evaluated 2022-06-01.

Allele frequency attached by ClinVar (database versions not stated): 1000 Genomes Project 0.00140; 1000 Genomes Project 30x 0.00141; ExAC 0.00287; TOPMed 0.00297; gnomAD 0.00298 and 0.00306; gnomAD exomes 0.00305 and 0.00314; ESP Exome Variant Server 0.00331.
gnomAD v4.1: 5,080 of 1,614,140 alleles (0.31%); highest among the groups gnomAD compares: Middle Eastern, 0.41%; 18 homozygotes.

Submissions (3):

CeGaT Center for Human Genetics Tuebingen
Classification: Likely benign. Last evaluated: 2022-06-01. Review status: criteria provided, single submitter. Criteria: CeGaT Center For Human Genetics Tuebingen Variant Classification Criteria Version 2. Collection method: clinical testing. Allele origin: germline. Affected: yes. Observed: 1 variant allele.
Comment: MX1: BP4, BP7

Labcorp Genetics (formerly Invitae), Labcorp
Classification: Benign. Last evaluated: 2018-03-29. Review status: criteria provided, single submitter. Criteria: Invitae Variant Classification Sherloc (09022015). Collection method: clinical testing. Allele origin: germline.

Breakthrough Genomics
Classification: Benign. Review status: criteria provided, single submitter. Criteria: ACMG Guidelines, 2015. Collection method: not provided. Allele origin: germline. Inheritance: Unknown mechanism. Affected: yes.

NM_002462.5(MX1):c.1692C>T (p.Phe564=)

Genes: MX1 (MX dynamin like GTPase 1; plus strand), LOC126653381 (CDK7 strongly-dependent group 2 enhancer GRCh37_chr21:42824122-42825321; plus strand). Cytogenetic location: 21q22.3.
Variant type: single nucleotide variant.
Coding change: c.1692C>T on transcript NM_002462.5 (MANE Select); coding-DNA position 1692, C replaced by T.
Protein change: p.Phe564=; no amino-acid change (phenylalanine 564 retained).
Molecular consequence: synonymous variant. On other transcripts: intron variant (1).
Genome position (GRCh38, 1-based): chr21:41,452,803, C>T. VCF-style: chr21-41452803-C-T. GRCh37 (hg19) VCF-style: chr21-42824730-C-T.
Other names: c.1692C>T, p.Phe564= (NM_001144925.2, NM_001178046.3); c.1274-5725C>T (NM_001282920.1).
Identifiers: ClinVar variation 778182 (VCV000778182.28), dbSNP rs117998041, ClinGen allele CA10034158.